The following is an entry in ClinVar:

ClinVar aggregate classification (germline): Likely benign (0 of 4 stars; one submission).

Conditions:
PTPRS-related disorder. Also called: PTPRS-related condition.

Allele frequency attached by ClinVar (database versions not stated): 1000 Genomes Project 30x 0.00047; 1000 Genomes Project 0.00060; ESP Exome Variant Server 0.00070; gnomAD 0.00104; TOPMed 0.00122; ExAC 0.00135.
gnomAD v4.1: 478 of 1,561,714 alleles (0.031%); highest among the groups gnomAD compares: African/African-American, 0.3%; 1 homozygote.

Submission:

PreventionGenetics, part of Exact Sciences
Classification: Likely benign for PTPRS-related condition. Last evaluated: 2022-05-31. Review status: no assertion criteria provided. Collection method: clinical testing. Allele origin: germline.
Comment: This variant is classified as likely benign based on ACMG/AMP sequence variant interpretation guidelines (Richards et al. 2015 PMID: 25741868, with internal and published modifications).

NM_002850.4(PTPRS):c.2614C>T (p.Arg872Cys)

Gene: PTPRS (protein tyrosine phosphatase receptor type S; minus strand). Cytogenetic location: 19p13.3.
Variant type: single nucleotide variant.
Coding change: c.2614C>T on transcript NM_002850.4 (MANE Select); coding-DNA position 2614, C replaced by T.
Protein change: p.Arg872Cys; replaces arginine 872 with cysteine.
Molecular consequence: missense variant. On other transcripts: intron variant (2).
Genome position (GRCh38, 1-based): chr19:5,223,178, G>A on the plus strand (C>T on the coding strand, the complement: PTPRS is on the minus strand). VCF-style: chr19-5223178-G-A. GRCh37 (hg19) VCF-style: chr19-5223189-G-A.
Other names: c.2548C>T, p.Arg850Cys (NM_001394011.1, NM_001394013.1, NM_130854.3); c.2575C>T, p.Arg859Cys (NM_001394012.1); c.1811-958C>T (NM_130853.3); c.1823-958C>T (NM_130855.3); short protein forms R850C, R859C, R872C.
Identifiers: ClinVar variation 3046496 (VCV003046496.2), dbSNP rs151114416, ClinGen allele CA9109897.